The following is an entry in ClinVar:

ClinVar aggregate classification (germline): Pathogenic/Likely pathogenic. Review status: criteria provided, multiple submitters, no conflicts (2 of 4 stars). 4 submissions from 4 submitters: Pathogenic (2); Likely pathogenic (2). Last evaluated 2025-12-18.

Conditions:
BEST1-related disorder. Also called: BEST1-related disorders; BEST1-related condition. Identifiers: MedGen CN239200.
Retinal dystrophy. Also called: Inherited retinal dystrophy. Identifiers: Orphanet 71862, MedGen C0854723, MeSH D058499, MONDO:0019118, HP:0000556.

Allele frequency attached by ClinVar (database versions not stated): gnomAD exomes below 0.00001; gnomAD 0.00001; TOPMed 0.00002.
gnomAD v4.1: 4 of 1,613,404 alleles (0.00025%); highest among the groups gnomAD compares: Non-Finnish European, 0.00034%; no homozygotes.

Submissions (4):

Greenwood Genetic Center Diagnostic Laboratories, Greenwood Genetic Center
Classification: Likely pathogenic for BEST1-related disorder. Last evaluated: 2025-12-18. Review status: criteria provided, single submitter. Criteria: ACMG Guidelines, 2015. Collection method: clinical testing. Allele origin: germline. Affected: yes.
Comment: PVS1, PM2

Labcorp Genetics (formerly Invitae), Labcorp
Classification: Pathogenic. Last evaluated: 2023-08-04. Review status: criteria provided, single submitter. Criteria: Invitae Variant Classification Sherloc (09022015). Collection method: clinical testing. Allele origin: germline.
Comment: This sequence change creates a premature translational stop signal (p.Trp24*) in the BEST1 gene. It is expected to result in an absent or disrupted protein product. Loss-of-function variants in BEST1 are known to be pathogenic (PMID: 21825197). This variant is present in population databases (no rsID available, gnomAD 0.0009%). For these reasons, this variant has been classified as Pathogenic. ClinVar contains an entry for this variant (Variation ID: 1069894). This premature translational stop signal has been observed in individual(s) with macular dystrophy (PMID: 25412400).

Institute of Human Genetics, Univ. Regensburg, Univ. Regensburg
Classification: Pathogenic for Retinal dystrophy. Last evaluated: 2023-01-01. Review status: criteria provided, single submitter. Criteria: ACMG Guidelines, 2015. Collection method: clinical testing. Allele origin: germline. Affected: yes.

Blueprint Genetics
Classification: Likely pathogenic for BEST1-related disorders. Last evaluated: 2019-10-15. Review status: criteria provided, single submitter. Criteria: ACMG Guidelines, 2015. Collection method: clinical testing. Allele origin: germline. Affected: yes. Observed: 1 variant allele.

Literature cited by the submitters: PubMed 21825197 (cited by Labcorp Genetics (formerly Invitae), Labcorp); PubMed 25412400 (cited by Labcorp Genetics (formerly Invitae), Labcorp and Institute of Human Genetics, Univ. Regensburg, Univ. Regensburg); PubMed 3196484 (cited by Institute of Human Genetics, Univ. Regensburg, Univ. Regensburg).

NM_004183.4(BEST1):c.72G>A (p.Trp24Ter)

Gene: BEST1 (bestrophin 1; plus strand). Cytogenetic location: 11q12.3.
Variant type: single nucleotide variant.
Coding change: c.72G>A on transcript NM_004183.4 (MANE Select); coding-DNA position 72, G replaced by A.
Protein change: p.Trp24Ter; replaces tryptophan 24 with a stop codon.
Molecular consequence: nonsense. On other transcripts: non-coding transcript variant (1), intron variant (6).
Genome position (GRCh38, 1-based): chr11:61,951,878, G>A. VCF-style: chr11-61951878-G-A. GRCh37 (hg19) VCF-style: chr11-61719350-G-A.
Other names: c.72G>A, p.Trp24Ter (NM_001363592.2, NM_001440571.1, NM_001440572.1 and 1 more transcripts); c.-29+1451G>A (NM_001139443.3, NM_001300787.2, NM_001440574.1 and 3 more transcripts); short protein forms W24*.
Identifiers: ClinVar variation 1069894 (VCV001069894.12), dbSNP rs281865213, ClinGen allele CA380831501.